The following is an entry in ClinVar:

ClinVar aggregate classification (germline): Benign/Likely benign. Review status: criteria provided, multiple submitters, no conflicts (2 of 4 stars). 4 submissions from 4 submitters: Benign (1); Likely benign (3). Last evaluated 2026-02-01.

Conditions:
Baller-Gerold syndrome (BGS). Also called: CRANIOSYNOSTOSIS WITH RADIAL DEFECTS. Identifiers: Orphanet 1225, MedGen C0265308, MONDO:0009039, OMIM 218600.

Allele frequency attached by ClinVar (database versions not stated): gnomAD exomes 0.00040 and 0.00090; ExAC 0.00153; 1000 Genomes Project 30x 0.00312; 1000 Genomes Project 0.00319; gnomAD 0.00402 and 0.00430; TOPMed 0.00427; ESP Exome Variant Server 0.00486.

Submissions (4):

CeGaT Center for Human Genetics Tuebingen
Classification: Likely benign. Last evaluated: 2026-02-01. Review status: criteria provided, single submitter. Criteria: CeGaT Center For Human Genetics Tuebingen Variant Classification Criteria Version 2. Collection method: clinical testing. Allele origin: germline. Affected: yes. Observed: 2 variant alleles.
Comment: RECQL4: BS1

Labcorp Genetics (formerly Invitae), Labcorp
Classification: Benign for Baller-Gerold syndrome. Last evaluated: 2026-01-26. Review status: criteria provided, single submitter. Criteria: Invitae Variant Classification Sherloc (09022015). Collection method: clinical testing. Allele origin: germline.

Blueprint Genetics
Classification: Likely benign. Last evaluated: 2024-11-25. Review status: criteria provided, single submitter. Criteria: ACMG Guidelines, 2015. Collection method: clinical testing. Allele origin: germline.

GeneDx
Classification: Likely benign. Last evaluated: 2019-03-31. Review status: criteria provided, single submitter. Criteria: GeneDx Variant Classification Process June 2021. Collection method: clinical testing. Allele origin: germline. Affected: yes.

NM_004260.4(RECQL4):c.2755+16dup

Gene: RECQL4 (RecQ like helicase 4; minus strand). Cytogenetic location: 8q24.3.
Variant type: Duplication.
Coding change: c.2755+16dup on transcript NM_004260.4 (MANE Select); 16 bases into the intron after coding-DNA position 2755, one base duplicated (T; older notation c.2755+16dupT).
Molecular consequence: intron variant.
Genome position (GRCh38, 1-based): chr8:144,512,831, A duplicated on the plus strand (T on the coding strand, the reverse complement: RECQL4 is on the minus strand). VCF-style (leftmost placement, unchanged base first): chr8-144512830-T-TA. GRCh37 (hg19) VCF-style: chr8-145738213-T-TA.
Identifiers: ClinVar variation 1193404 (VCV001193404.40), dbSNP rs35544622, ClinGen allele CA4948113.